The following is an entry in ClinVar:

ClinVar aggregate classification (germline): Conflicting classifications of pathogenicity. Review status: criteria provided, conflicting classifications (1 of 4 stars). 4 submissions from 4 submitters: Uncertain significance (1); Likely benign (3). Last evaluated 2026-01-11.

Conditions:
PLOD2-related disorder. Also called: PLOD2-related condition.

Allele frequency attached by ClinVar (database versions not stated): ExAC 0.00017; 1000 Genomes Project 30x 0.00047; 1000 Genomes Project 0.00060; gnomAD 0.00060 and 0.00064; ESP Exome Variant Server 0.00069; TOPMed 0.00084.
gnomAD v4.1: 185 of 1,607,094 alleles (0.012%); highest among the groups gnomAD compares: African/African-American, 0.19%; no homozygotes.

Submissions (4):

Labcorp Genetics (formerly Invitae), Labcorp
Classification: Likely benign. Last evaluated: 2026-01-11. Review status: criteria provided, single submitter. Criteria: Invitae Variant Classification Sherloc (09022015). Collection method: clinical testing. Allele origin: germline.

Women's Health and Genetics/Laboratory Corporation of America, LabCorp
Classification: Likely benign. Last evaluated: 2025-10-24. Review status: criteria provided, single submitter. Criteria: LabCorp Variant Classification Summary - May 2015. Collection method: clinical testing. Allele origin: germline.
Comment: Variant summary: PLOD2 c.844T>C (p.Cys282Arg) results in a non-conservative amino acid change in the encoded protein sequence. Algorithms developed to predict the effect of missense changes on protein structure and function all suggest that this variant is likely to be disruptive. The variant allele was found at a frequency of 0.00017 in 251084 control chromosomes, predominantly at a frequency of 0.002 within the African or African-American subpopulation in the gnomAD database. The observed variant frequency within African or African-American control individuals in the gnomAD database exceeds the estimated maximal expected allele frequency for disease-causing variants in PLOD2. c.844T>C has been observed in an individual affected with Osteogenesis Imperfecta (Fernandes_2020). This report does not provide unequivocal conclusions about association of the variant with Osteogenesis Imperfecta. To our knowledge, no experimental evidence demonstrating an impact on protein function has been reported. The following publication has been ascertained in the context of this evaluation (PMID: 32123938). ClinVar contains an entry for this variant (Variation ID: 722935). Based on the evidence outlined above, the variant was classified as likely benign.

PreventionGenetics, part of Exact Sciences
Classification: Likely benign for PLOD2-related condition. Last evaluated: 2024-11-26. Review status: criteria provided, single submitter. Criteria: ACMG Guidelines, 2015. Collection method: clinical testing. Allele origin: germline.
Comment: This variant is classified as likely benign based on ACMG/AMP sequence variant interpretation guidelines (Richards et al. 2015 PMID: 25741868, with internal and published modifications).

GeneDx
Classification: Uncertain significance. Last evaluated: 2021-06-02. Review status: criteria provided, single submitter. Criteria: GeneDx Variant Classification Process June 2021. Collection method: clinical testing. Allele origin: germline. Affected: yes.
Comment: In silico analysis supports that this missense variant has a deleterious effect on protein structure/function; Has not been previously published as pathogenic or benign to our knowledge; This variant is associated with the following publications: (PMID: 27535533)

Literature cited by the submitters: PubMed 32123938 (cited by Women's Health and Genetics/Laboratory Corporation of America, LabCorp).

NM_182943.3(PLOD2):c.844T>C (p.Cys282Arg)

Gene: PLOD2 (procollagen-lysine,2-oxoglutarate 5-dioxygenase 2; minus strand). Cytogenetic location: 3q24.
Variant type: single nucleotide variant.
Coding change: c.844T>C on transcript NM_182943.3 (MANE Select); coding-DNA position 844, T replaced by C.
Protein change: p.Cys282Arg; replaces cysteine 282 with arginine.
Molecular consequence: missense variant.
Genome position (GRCh38, 1-based): chr3:146,091,835, A>G on the plus strand (T>C on the coding strand, the complement: PLOD2 is on the minus strand). VCF-style: chr3-146091835-A-G. GRCh37 (hg19) VCF-style: chr3-145809622-A-G.
Other names: c.844T>C, p.Cys282Arg (NM_000935.3); short protein forms C282R.
Identifiers: ClinVar variation 722935 (VCV000722935.14), dbSNP rs138948307, ClinGen allele CA2655110.